The following is an entry in ClinVar:

NM_003024.3(ITSN1):c.1975C>T (p.Gln659Ter)

Gene: ITSN1 (intersectin 1; plus strand). Cytogenetic location: 21q22.11.
Variant type: single nucleotide variant.
Coding change: c.1975C>T on transcript NM_003024.3 (MANE Select); coding-DNA position 1975, C replaced by T.
Protein change: p.Gln659Ter; replaces glutamine 659 with a stop codon.
Molecular consequence: nonsense.
Genome position (GRCh38, 1-based): chr21:33,797,401, C>T. VCF-style: chr21-33797401-C-T. GRCh37 (hg19) VCF-style: chr21-35169705-C-T.
Other names: c.1975C>T, p.Gln659Ter (NM_001001132.2, NM_001331008.2, NM_001331009.2 and 2 more transcripts); c.1864C>T, p.Gln622Ter (NM_001331012.2); short protein forms Q622*, Q659*.
Identifiers: ClinVar variation 2629956 (VCV002629956.1), dbSNP rs2517767855, ClinGen allele CA410132070.

ClinVar aggregate classification (germline): Uncertain significance (1 of 4 stars; one submission).

Conditions:
ITSN1-related disorder. Also called: ITSN1-related condition.

Submission:

PreventionGenetics, part of Exact Sciences
Classification: Uncertain significance for ITSN1-related condition. Last evaluated: 2023-01-26. Review status: criteria provided, single submitter. Criteria: ACMG Guidelines, 2015. Collection method: clinical testing. Allele origin: germline.
Comment: The ITSN1 c.1975C>T variant is predicted to result in premature protein termination (p.Gln659*). To our knowledge, this variant has not been reported in the literature or in a large population database, indicating this variant is rare. At this time, the clinical significance of this variant is uncertain due to the absence of conclusive functional and genetic evidence.